The following is an entry in ClinVar:

NC_000007.13:g.(?_81331897)_(81603888_?)dup

Genes: CACNA2D1 (calcium voltage-gated channel auxiliary subunit alpha2delta 1; minus strand), HGF (hepatocyte growth factor; minus strand). Cytogenetic location: 7q21.11.
Variant type: Duplication.
Identifiers: ClinVar variation 2423331 (VCV002423331.4).

ClinVar aggregate classification (germline): Uncertain significance (1 of 4 stars; one submission).

Submission:

Labcorp Genetics (formerly Invitae), Labcorp
Classification: Uncertain significance. Last evaluated: 2022-03-12. Review status: criteria provided, single submitter. Criteria: Invitae Variant Classification Sherloc (09022015). Collection method: clinical testing. Allele origin: germline.
Comment: In summary, the available evidence is currently insufficient to determine the role of this variant in disease. Therefore, it has been classified as a Variant of Uncertain Significance. This variant has not been reported in the literature in individuals affected with HGF-related conditions. A copy number gain of the genomic region encompassing the full coding sequence of the HGF gene has been identified. The boundaries of this event are unknown as they extend beyond the assayed region for this gene and therefore may encompass additional genes. As the precise location of this event is unknown, it may be in tandem or it may be located elsewhere in the genome.